The following is an entry in ClinVar:

ClinVar aggregate classification (germline): Uncertain significance (1 of 4 stars; one submission).

Conditions:
Primary ciliary dyskinesia. Also called: Ciliary dyskinesia. Identifiers: Orphanet 244, MedGen C0008780, MONDO:0016575, HP:0012265.

Submission:

Labcorp Genetics (formerly Invitae), Labcorp
Classification: Uncertain significance for Primary ciliary dyskinesia. Last evaluated: 2024-09-20. Review status: criteria provided, single submitter. Criteria: Invitae Variant Classification Sherloc (09022015). Collection method: clinical testing. Allele origin: germline.
Comment: This sequence change replaces glutamic acid, which is acidic and polar, with alanine, which is neutral and non-polar, at codon 1117 of the CCDC40 protein (p.Glu1117Ala). This variant is not present in population databases (gnomAD no frequency). This variant has not been reported in the literature in individuals affected with CCDC40-related conditions. Invitae Evidence Modeling of protein sequence and biophysical properties (such as structural, functional, and spatial information, amino acid conservation, physicochemical variation, residue mobility, and thermodynamic stability) indicates that this missense variant is expected to disrupt CCDC40 protein function with a positive predictive value of 80%. In summary, the available evidence is currently insufficient to determine the role of this variant in disease. Therefore, it has been classified as a Variant of Uncertain Significance.

NM_017950.4(CCDC40):c.3350A>C (p.Glu1117Ala)

Gene: CCDC40 (coiled-coil domain 40 molecular ruler complex subunit; plus strand). Cytogenetic location: 17q25.3.
Variant type: single nucleotide variant.
Coding change: c.3350A>C on transcript NM_017950.4 (MANE Select); coding-DNA position 3350, A replaced by C.
Protein change: p.Glu1117Ala; replaces glutamic acid 1117 with alanine.
Molecular consequence: missense variant.
Genome position (GRCh38, 1-based): chr17:80,099,696, A>C. VCF-style: chr17-80099696-A-C. GRCh37 (hg19) VCF-style: chr17-78073495-A-C.
Other names: short protein forms E1117A.
Identifiers: ClinVar variation 3702144 (VCV003702144.2).
Genomic context (GRCh38, chr17:80,099,696, plus strand): 5'-GCCAGCGCCTGGACAAGCGACTGGCTCTCATCGCCACCATCCTGGACCGCGTGCGGGACG[A>C]GTACCCCCAGTTCCAGGAGGCCCTGCACAAGGTCAGCCAGATGATCGCCAACAAGCTCGA-3'
Protein context (NP_060420.2, residues 1107-1127): IATILDRVRD[Glu1117Ala]YPQFQEALHK